The following is an entry in ClinVar:

ClinVar aggregate classification (germline): Uncertain significance (0 of 4 stars; one submission).

Conditions:
TBX3-related disorder. Also called: TBX3-related condition.

Submission:

PreventionGenetics, part of Exact Sciences
Classification: Uncertain significance for TBX3-related condition. Last evaluated: 2024-06-07. Review status: no assertion criteria provided. Collection method: clinical testing. Allele origin: germline.
Comment: The TBX3 c.1415C>G variant is predicted to result in the amino acid substitution p.Ala472Gly. To our knowledge, this variant has not been reported in the literature or in a large population database, indicating this variant is rare. At this time, the clinical significance of this variant is uncertain due to the absence of conclusive functional and genetic evidence.

NM_005996.4(TBX3):c.1355C>G (p.Ala452Gly)

Gene: TBX3 (T-box transcription factor 3; minus strand). Cytogenetic location: 12q24.21.
Variant type: single nucleotide variant.
Coding change: c.1355C>G on transcript NM_005996.4 (MANE Select); coding-DNA position 1355, C replaced by G.
Protein change: p.Ala452Gly; replaces alanine 452 with glycine.
Molecular consequence: missense variant.
Genome position (GRCh38, 1-based): chr12:114,674,520, G>C on the plus strand (C>G on the coding strand, the complement: TBX3 is on the minus strand). VCF-style: chr12-114674520-G-C. GRCh37 (hg19) VCF-style: chr12-115112325-G-C.
Other names: c.1415C>G, p.Ala472Gly (NM_016569.4); short protein forms A452G, A472G.
Identifiers: ClinVar variation 3344683 (VCV003344683.1).